The following is an entry in ClinVar:

NM_002796.3(PSMB4):c.392G>A (p.Arg131Lys)

Gene: PSMB4 (proteasome 20S subunit beta 4; plus strand). Cytogenetic location: 1q21.3.
Variant type: single nucleotide variant.
Coding change: c.392G>A on transcript NM_002796.3 (MANE Select); coding-DNA position 392, G replaced by A.
Protein change: p.Arg131Lys; replaces arginine 131 with lysine.
Molecular consequence: missense variant.
Genome position (GRCh38, 1-based): chr1:151,400,486, G>A. VCF-style: chr1-151400486-G-A. GRCh37 (hg19) VCF-style: chr1-151372962-G-A.
Other names: short protein forms R131K.
Identifiers: ClinVar variation 1450417 (VCV001450417.8), dbSNP rs761013630, ClinGen allele CA1090650.

ClinVar aggregate classification (germline): Uncertain significance (1 of 4 stars; one submission).

Allele frequency attached by ClinVar (database versions not stated): gnomAD exomes below 0.00001; ExAC 0.00001.

Submission:

Labcorp Genetics (formerly Invitae), Labcorp
Classification: Uncertain significance. Last evaluated: 2020-12-11. Review status: criteria provided, single submitter. Criteria: Invitae Variant Classification Sherloc (09022015). Collection method: clinical testing. Allele origin: germline.
Comment: In summary, the available evidence is currently insufficient to determine the role of this variant in disease. Therefore, it has been classified as a Variant of Uncertain Significance. Algorithms developed to predict the effect of missense changes on protein structure and function output the following: SIFT: "Tolerated"; PolyPhen-2: "Benign"; Align-GVGD: "Class C0". The lysine amino acid residue is found in multiple mammalian species, suggesting that this missense change does not adversely affect protein function. These predictions have not been confirmed by published functional studies and their clinical significance is uncertain. This variant has not been reported in the literature in individuals with PSMB4-related conditions. This variant is present in population databases (rs761013630, ExAC 0.006%). This sequence change replaces arginine with lysine at codon 131 of the PSMB4 protein (p.Arg131Lys). The arginine residue is moderately conserved and there is a small physicochemical difference between arginine and lysine.